The following is an entry in ClinVar:

NM_018127.7(ELAC2):c.1286C>G (p.Pro429Arg)

Gene: ELAC2 (elaC ribonuclease Z 2; minus strand). Cytogenetic location: 17p12.
Variant type: single nucleotide variant.
Coding change: c.1286C>G on transcript NM_018127.7 (MANE Select); coding-DNA position 1286, C replaced by G.
Protein change: p.Pro429Arg; replaces proline 429 with arginine.
Molecular consequence: missense variant.
Genome position (GRCh38, 1-based): chr17:13,002,292, G>C on the plus strand (C>G on the coding strand, the complement: ELAC2 is on the minus strand). VCF-style: chr17-13002292-G-C. GRCh37 (hg19) VCF-style: chr17-12905609-G-C.
Other names: c.1166C>G, p.Pro389Arg (NM_001165962.2); c.1283C>G, p.Pro428Arg (NM_173717.2); short protein forms P429R, P389R, P428R.
Identifiers: ClinVar variation 951291 (VCV000951291.6), dbSNP rs1285444804, ClinGen allele CA398225132.

ClinVar aggregate classification (germline): Uncertain significance (1 of 4 stars; one submission).

Conditions:
Combined oxidative phosphorylation defect type 17. Also called: Combined oxidative phosphorylation deficiency 17. Identifiers: Orphanet 369913, MedGen C3809526, MONDO:0014190, OMIM 615440.

Allele frequency attached by ClinVar (database versions not stated): gnomAD 0.00001; TOPMed 0.00001.
gnomAD v4.1: 1 of 1,614,060 alleles (0.000062%); highest among the groups gnomAD compares: East Asian, 0.0022%; no homozygotes.

Submission:

Labcorp Genetics (formerly Invitae), Labcorp
Classification: Uncertain significance for Combined oxidative phosphorylation defect type 17. Last evaluated: 2023-06-04. Review status: criteria provided, single submitter. Criteria: Invitae Variant Classification Sherloc (09022015). Collection method: clinical testing. Allele origin: germline.
Comment: In summary, the available evidence is currently insufficient to determine the role of this variant in disease. Therefore, it has been classified as a Variant of Uncertain Significance. This sequence change replaces proline, which is neutral and non-polar, with arginine, which is basic and polar, at codon 429 of the ELAC2 protein (p.Pro429Arg). This variant is not present in population databases (gnomAD no frequency). This variant has not been reported in the literature in individuals affected with ELAC2-related conditions. ClinVar contains an entry for this variant (Variation ID: 951291). Advanced modeling of protein sequence and biophysical properties (such as structural, functional, and spatial information, amino acid conservation, physicochemical variation, residue mobility, and thermodynamic stability) performed at Invitae indicates that this missense variant is expected to disrupt ELAC2 protein function.